The following is an entry in ClinVar:

NM_152468.5(TMC8):c.1729G>T (p.Glu577Ter)

Gene: TMC8 (transmembrane channel like 8; plus strand). Cytogenetic location: 17q25.3.
Variant type: single nucleotide variant.
Coding change: c.1729G>T on transcript NM_152468.5 (MANE Select); coding-DNA position 1729, G replaced by T.
Protein change: p.Glu577Ter; replaces glutamic acid 577 with a stop codon.
Molecular consequence: nonsense.
Genome position (GRCh38, 1-based): chr17:78,138,638, G>T. VCF-style: chr17-78138638-G-T. GRCh37 (hg19) VCF-style: chr17-76134719-G-T.
Other names: short protein forms E577*.
Identifiers: ClinVar variation 1325196 (VCV001325196.7), dbSNP rs764753165, ClinGen allele CA8796969.
Genomic context (GRCh38, chr17:78,138,638, plus strand): 5'-CACTCCTCCTGGGACTGCGGCCTCTTCACCAACTACTCAGCACCCTGGCAAGTGGTCCCG[G>T]AGCTGGTGGCCCTTGGGCTCCCGCCCATTGGCCAGCGTGCCCTCCACTACCTGGGCTCCC-3'

ClinVar aggregate classification (germline): Pathogenic (1 of 4 stars; one submission).

Conditions:
Epidermodysplasia verruciformis. Identifiers: Orphanet 302, MedGen C0014522, MONDO:0009176.

Allele frequency attached by ClinVar (database versions not stated): TOPMed below 0.00001; gnomAD 0.00001; ExAC 0.00002.
gnomAD v4.1: 17 of 1,613,854 alleles (0.0011%); highest among the groups gnomAD compares: Non-Finnish European, 0.0014%; no homozygotes.

Submission:

Labcorp Genetics (formerly Invitae), Labcorp
Classification: Pathogenic for Epidermodysplasia verruciformis. Last evaluated: 2024-03-04. Review status: criteria provided, single submitter. Criteria: Invitae Variant Classification Sherloc (09022015). Collection method: clinical testing. Allele origin: germline.
Comment: This sequence change creates a premature translational stop signal (p.Glu577*) in the TMC8 gene. It is expected to result in an absent or disrupted protein product. Loss-of-function variants in TMC8 are known to be pathogenic (PMID: 12426567, 22158547). This variant is present in population databases (rs764753165, gnomAD 0.003%). This variant has not been reported in the literature in individuals affected with TMC8-related conditions. ClinVar contains an entry for this variant (Variation ID: 1325196). Algorithms developed to predict the effect of sequence changes on RNA splicing suggest that this variant may disrupt the consensus splice site. For these reasons, this variant has been classified as Pathogenic.

Literature cited by the submitters: PubMed 12426567; PubMed 22158547.